The following is an entry in ClinVar:

ClinVar aggregate classification (germline): Uncertain significance (1 of 4 stars; one submission).

Conditions:
Breast-ovarian cancer, familial, susceptibility to, 4. Identifiers: Orphanet 145, MedGen C3280345, MONDO:0013669, OMIM 614291.

Submission:

Labcorp Genetics (formerly Invitae), Labcorp
Classification: Uncertain significance for Breast-ovarian cancer, familial, susceptibility to, 4. Last evaluated: 2023-08-03. Review status: criteria provided, single submitter. Criteria: Invitae Variant Classification Sherloc (09022015). Collection method: clinical testing. Allele origin: germline.
Comment: This variant has not been reported in the literature in individuals affected with RAD51D-related conditions. This sequence change disrupts the translational stop signal of the RAD51D mRNA. It is expected to extend the length of the RAD51D protein by 56 additional amino acid residues. This variant is not present in population databases (gnomAD no frequency). In summary, the available evidence is currently insufficient to determine the role of this variant in disease. Therefore, it has been classified as a Variant of Uncertain Significance.

NM_002878.4(RAD51D):c.987A>C (p.Ter329Cys)

Genes: RAD51L3-RFFL (RAD51L3-RFFL readthrough; minus strand), RAD51D (RAD51 paralog D; minus strand). Cytogenetic location: 17q12.
Variant type: single nucleotide variant.
Coding change: c.987A>C on transcript NM_002878.4 (MANE Select); coding-DNA position 987, A replaced by C.
Protein change: p.Ter329Cys.
Molecular consequence: stop lost. On other transcripts: non-coding transcript variant (2).
Genome position (GRCh38, 1-based): chr17:35,100,953, T>G on the plus strand (A>C on the coding strand, the complement: RAD51D is on the minus strand). VCF-style: chr17-35100953-T-G. GRCh37 (hg19) VCF-style: chr17-33427972-T-G.
Other names: c.1047A>C, p.Ter349Cys (NM_001142571.2); c.651A>C, p.Ter217Cys (NM_133629.3).
Identifiers: ClinVar variation 2749860 (VCV002749860.3), dbSNP rs2091526907, ClinGen allele CA399086021.